The following is an entry in ClinVar:

NM_206933.4(USH2A):c.562T>C (p.Tyr188His)

Gene: USH2A (usherin; minus strand). Cytogenetic location: 1q41.
Variant type: single nucleotide variant.
Coding change: c.562T>C on transcript NM_206933.4 (MANE Select); coding-DNA position 562, T replaced by C.
Protein change: p.Tyr188His; replaces tyrosine 188 with histidine.
Molecular consequence: missense variant.
Genome position (GRCh38, 1-based): chr1:216,418,603, A>G on the plus strand (T>C on the coding strand, the complement: USH2A is on the minus strand). VCF-style: chr1-216418603-A-G. GRCh37 (hg19) VCF-style: chr1-216591945-A-G.
Other names: c.562T>C, p.Tyr188His (NM_007123.6); short protein forms Y188H.
Identifiers: ClinVar variation 2115172 (VCV002115172.4), dbSNP rs1479372323, ClinGen allele CA344902514.

ClinVar aggregate classification (germline): Uncertain significance (1 of 4 stars; one submission).

Submission:

Labcorp Genetics (formerly Invitae), Labcorp
Classification: Uncertain significance. Last evaluated: 2022-03-20. Review status: criteria provided, single submitter. Criteria: Invitae Variant Classification Sherloc (09022015). Collection method: clinical testing. Allele origin: germline.
Comment: In summary, the available evidence is currently insufficient to determine the role of this variant in disease. Therefore, it has been classified as a Variant of Uncertain Significance. This variant is present in population databases (no rsID available, gnomAD 0.0009%). This variant has not been reported in the literature in individuals affected with USH2A-related conditions. Algorithms developed to predict the effect of missense changes on protein structure and function are either unavailable or do not agree on the potential impact of this missense change (SIFT: "Deleterious"; PolyPhen-2: "Possibly Damaging"; Align-GVGD: "Class C0"). This sequence change replaces tyrosine, which is neutral and polar, with histidine, which is basic and polar, at codon 188 of the USH2A protein (p.Tyr188His). This variant disrupts the p.Tyr188 amino acid residue in USH2A. Other variant(s) that disrupt this residue have been observed in individuals with USH2A-related conditions (PMID: 27460420, 29142287; Invitae), which suggests that this may be a clinically significant amino acid residue.

Literature cited by the submitters: PubMed 27460420; PubMed 29142287.